The following is an entry in ClinVar:

NM_001330701.2(AGTPBP1):c.3527A>G (p.Glu1176Gly)

Gene: AGTPBP1 (ATP/GTP binding carboxypeptidase 1; minus strand). Cytogenetic location: 9q21.33.
Variant type: single nucleotide variant.
Coding change: c.3527A>G on transcript NM_001330701.2 (MANE Select); coding-DNA position 3527, A replaced by G.
Protein change: p.Glu1176Gly; replaces glutamic acid 1176 with glycine.
Molecular consequence: missense variant.
Genome position (GRCh38, 1-based): chr9:85,547,263, T>C on the plus strand (A>G on the coding strand, the complement: AGTPBP1 is on the minus strand). VCF-style: chr9-85547263-T-C. GRCh37 (hg19) VCF-style: chr9-88162178-T-C.
Other names: c.3683A>G, p.Glu1228Gly (NM_001286715.1); c.3563A>G, p.Glu1188Gly (NM_001286717.1); c.3407A>G, p.Glu1136Gly (NM_015239.3); c.3407A>G (NM_015239.2); short protein forms E1136G, E1176G, E1188G, E1228G.
Identifiers: ClinVar variation 1308441 (VCV001308441.4), dbSNP rs775944173, ClinGen allele CA5106051.

ClinVar aggregate classification (germline): Uncertain significance. Review status: criteria provided, multiple submitters, no conflicts (2 of 4 stars). 2 submissions from 2 submitters: Uncertain significance (2). Last evaluated 2023-03-06.

Conditions:
Inborn genetic diseases. Identifiers: MedGen C0950123, MeSH D030342.

Allele frequency attached by ClinVar (database versions not stated): ExAC 0.00002; gnomAD exomes 0.00003 and 0.00005; gnomAD 0.00006; TOPMed 0.00008.

Submissions (2):

Ambry Genetics
Classification: Uncertain significance for Inborn genetic diseases. Last evaluated: 2023-03-06. Review status: criteria provided, single submitter. Criteria: Ambry Variant Classification Scheme 2023. Collection method: clinical testing. Allele origin: germline.

GeneDx
Classification: Uncertain significance. Last evaluated: 2019-04-11. Review status: criteria provided, single submitter. Criteria: GeneDx Variant Classification Process June 2021. Collection method: clinical testing. Allele origin: germline. Affected: yes.
Comment: In silico analysis, which includes protein predictors and evolutionary conservation, supports a deleterious effect; Has not been previously published as pathogenic or benign to our knowledge